The following is an entry in ClinVar:

NM_015450.3(POT1):c.1481T>C (p.Ile494Thr)

Gene: POT1 (protection of telomeres 1; minus strand). Cytogenetic location: 7q31.33.
Variant type: single nucleotide variant.
Coding change: c.1481T>C on transcript NM_015450.3 (MANE Select); coding-DNA position 1481, T replaced by C.
Protein change: p.Ile494Thr; replaces isoleucine 494 with threonine.
Molecular consequence: missense variant. On other transcripts: non-coding transcript variant (3).
Genome position (GRCh38, 1-based): chr7:124,835,303, A>G on the plus strand (T>C on the coding strand, the complement: POT1 is on the minus strand). VCF-style: chr7-124835303-A-G. GRCh37 (hg19) VCF-style: chr7-124475357-A-G.
Other names: c.1088T>C, p.Ile363Thr (NM_001042594.2); short protein forms I494T, I363T.
Identifiers: ClinVar variation 436389 (VCV000436389.13), dbSNP rs774858551, ClinGen allele CA369065483.
Genomic context (GRCh38, chr7:124,835,303, plus strand): 5'-AAACAAAACAAAACAAAACAAAACAAAACAAAATACCCATAGTGATGTATTGTTCCTTGT[A>G]TAAGAAATGGTGCTGAAAGGTCCAAAAGTTCCAGGTCTTCGTGGCCAGATCTCACAGGAA-3'
Protein context (NP_056265.2, residues 484-504): ELLDLSAPFL[Ile494Thr]QGTIHHYGCK

ClinVar aggregate classification (germline): Uncertain significance. Review status: criteria provided, multiple submitters, no conflicts (2 of 4 stars). 4 submissions from 4 submitters: Uncertain significance (4). Last evaluated 2025-12-29.

Conditions:
Tumor predisposition syndrome 3 (TPDS3). Also called: Glioma susceptibility 9; LONG TELOMERE SYNDROME, POT1-RELATED; POT1 Tumor Predisposition; Melanoma, cutaneous malignant, susceptibility to, 10. Identifiers: Orphanet 618, MedGen C4014476, MONDO:0014368, OMIM 615848.
Hereditary cancer-predisposing syndrome. Also called: Tumor predisposition; Hereditary Cancer Syndrome; Hereditary neoplastic syndrome; Neoplastic Syndromes, Hereditary. Identifiers: Orphanet 140162, MedGen C0027672, MeSH D009386, MONDO:0015356.

gnomAD v4.1: 2 of 1,614,096 alleles (0.00012%); highest among the groups gnomAD compares: Non-Finnish European, 0.00017%; no homozygotes.

Submissions (4):

Center for Genomic Medicine, Rigshospitalet, Copenhagen University Hospital
Classification: Uncertain significance. Last evaluated: 2025-12-29. Review status: criteria provided, single submitter. Criteria: ACMG Guidelines, 2015. Collection method: clinical testing. Allele origin: germline.

Labcorp Genetics (formerly Invitae), Labcorp
Classification: Uncertain significance for Tumor predisposition syndrome 3. Last evaluated: 2025-11-24. Review status: criteria provided, single submitter. Criteria: Invitae Variant Classification Sherloc (09022015). Collection method: clinical testing. Allele origin: germline.
Comment: This sequence change replaces isoleucine, which is neutral and non-polar, with threonine, which is neutral and polar, at codon 494 of the POT1 protein (p.Ile494Thr). This variant is not present in population databases (gnomAD no frequency). This variant has not been reported in the literature in individuals affected with POT1-related conditions. ClinVar contains an entry for this variant (Variation ID: 436389). Invitae Evidence Modeling of protein sequence and biophysical properties (such as structural, functional, and spatial information, amino acid conservation, physicochemical variation, residue mobility, and thermodynamic stability) indicates that this missense variant is not expected to disrupt POT1 protein function with a negative predictive value of 80%. In summary, the available evidence is currently insufficient to determine the role of this variant in disease. Therefore, it has been classified as a Variant of Uncertain Significance.

Ambry Genetics
Classification: Uncertain significance for Hereditary cancer-predisposing syndrome. Last evaluated: 2025-07-28. Review status: criteria provided, single submitter. Criteria: Ambry Variant Classification Scheme 2023. Collection method: clinical testing. Allele origin: germline.
Comment: The p.I494T variant (also known as c.1481T>C), located in coding exon 11 of the POT1 gene, results from a T to C substitution at nucleotide position 1481. The isoleucine at codon 494 is replaced by threonine, an amino acid with similar properties. This amino acid position is well conserved in available vertebrate species. In addition, the in silico prediction for this alteration is inconclusive. Based on the available evidence, the clinical significance of this variant remains unclear.

Genetic Services Laboratory, University of Chicago
Classification: Uncertain significance. Last evaluated: 2016-09-29. Review status: criteria provided, single submitter. Criteria: ACMG Guidelines, 2015. Collection method: clinical testing. Allele origin: germline. Affected: no.